The following is an entry in ClinVar:

ClinVar aggregate classification (germline): Uncertain significance (1 of 4 stars; one submission).

Conditions:
Congenital myotonia, autosomal dominant form (THD). Also called: THOMSEN DISEASE; Myotonia congenita autosomal dominant. Identifiers: Orphanet 614, MedGen C2936781, MONDO:0008055, OMIM 160800.
Congenital myotonia, autosomal recessive form. Also called: Becker Generalized Myotonia; myotonia congenita, autosomal recessive; BECKER DISEASE. Identifiers: Orphanet 614, MedGen C0751360, MONDO:0009715, OMIM 255700.

gnomAD v4.1: 23 of 1,611,446 alleles (0.0014%); highest among the groups gnomAD compares: South Asian, 0.022%; no homozygotes.

Submission:

Labcorp Genetics (formerly Invitae), Labcorp
Classification: Uncertain significance for Congenital myotonia, autosomal recessive form; Congenital myotonia, autosomal dominant form. Last evaluated: 2024-11-19. Review status: criteria provided, single submitter. Criteria: Invitae Variant Classification Sherloc (09022015). Collection method: clinical testing. Allele origin: germline.
Comment: This sequence change replaces leucine, which is neutral and non-polar, with arginine, which is basic and polar, at codon 731 of the CLCN1 protein (p.Leu731Arg). This variant is present in population databases (rs750692293, gnomAD 0.01%). This variant has not been reported in the literature in individuals affected with CLCN1-related conditions. Invitae Evidence Modeling of protein sequence and biophysical properties (such as structural, functional, and spatial information, amino acid conservation, physicochemical variation, residue mobility, and thermodynamic stability) indicates that this missense variant is not expected to disrupt CLCN1 protein function with a negative predictive value of 95%. In summary, the available evidence is currently insufficient to determine the role of this variant in disease. Therefore, it has been classified as a Variant of Uncertain Significance.

NM_000083.3(CLCN1):c.2192T>G (p.Leu731Arg)

Gene: CLCN1 (chloride voltage-gated channel 1; plus strand). Cytogenetic location: 7q34.
Variant type: single nucleotide variant.
Coding change: c.2192T>G on transcript NM_000083.3 (MANE Select); coding-DNA position 2192, T replaced by G.
Protein change: p.Leu731Arg; replaces leucine 731 with arginine.
Molecular consequence: missense variant. On other transcripts: non-coding transcript variant (1).
Genome position (GRCh38, 1-based): chr7:143,346,159, T>G. VCF-style: chr7-143346159-T-G. GRCh37 (hg19) VCF-style: chr7-143043252-T-G.
Other names: short protein forms L731R.
Identifiers: ClinVar variation 3748991 (VCV003748991.2).